The following is an entry in ClinVar:

NM_000138.5(FBN1):c.3996C>G (p.Asn1332Lys)

Gene: FBN1 (fibrillin 1; minus strand). Cytogenetic location: 15q21.1.
Variant type: single nucleotide variant.
Coding change: c.3996C>G on transcript NM_000138.5 (MANE Select); coding-DNA position 3996, C replaced by G.
Protein change: p.Asn1332Lys; replaces asparagine 1332 with lysine.
Molecular consequence: missense variant.
Genome position (GRCh38, 1-based): chr15:48,474,619, G>C on the plus strand (C>G on the coding strand, the complement: FBN1 is on the minus strand). VCF-style: chr15-48474619-G-C. GRCh37 (hg19) VCF-style: chr15-48766816-G-C.
Other names: short protein forms N1332K.
Identifiers: ClinVar variation 918578 (VCV000918578.4), dbSNP rs2043405102, ClinGen allele CA392320596.

ClinVar aggregate classification (germline): Uncertain significance (1 of 4 stars; one submission).

Conditions:
Familial thoracic aortic aneurysm and aortic dissection (TAAD). Also called: Thoracic aortic aneurysms and dissections. Identifiers: Orphanet 91387, MedGen C4707243, MONDO:0019625.

Submission:

Color Diagnostics, LLC DBA Color Health
Classification: Uncertain significance for Familial thoracic aortic aneurysm and aortic dissection. Last evaluated: 2024-03-06. Review status: criteria provided, single submitter. Criteria: ACMG Guidelines, 2015. Collection method: clinical testing. Allele origin: germline.
Comment: This missense variant replaces asparagine with lysine at codon 1332 of the FBN1 protein. Computational prediction tool is inconclusive regarding the impact of this variant on protein structure and function (internally defined REVEL score threshold 0.5 < inconclusive < 0.7, PMID: 27666373). Splice site prediction tools suggest that this variant may not impact RNA splicing. To our knowledge, functional studies have not been performed for this variant. This variant has not been reported in individuals affected with cardiovascular disorders in the literature. This variant has not been identified in the general population by the Genome Aggregation Database (gnomAD). The available evidence is insufficient to determine the role of this variant in disease conclusively. Therefore, this variant is classified as a Variant of Uncertain Significance.